The following is an entry in ClinVar:

ClinVar aggregate classification (germline): Conflicting classifications of pathogenicity. Review status: criteria provided, conflicting classifications (1 of 4 stars). 3 submissions from 3 submitters: Uncertain significance (1); Likely benign (2). Last evaluated 2025-10-01.

Conditions:
Inborn genetic diseases. Identifiers: MedGen C0950123, MeSH D030342.
Charcot-Marie-Tooth disease type 4. Also called: Charcot-Marie-Tooth, Type 4; Charcot-Marie-Tooth disease, type IV. Identifiers: Orphanet 64749, MedGen C4082197, MONDO:0018995.

Allele frequency attached by ClinVar (database versions not stated): ExAC 0.00001; gnomAD 0.00001; TOPMed 0.00001; gnomAD exomes 0.00002.
gnomAD v4.1: 25 of 1,613,712 alleles (0.0015%); highest among the groups gnomAD compares: South Asian, 0.0033%; no homozygotes.

Submissions (3):

Labcorp Genetics (formerly Invitae), Labcorp
Classification: Likely benign for Charcot-Marie-Tooth disease type 4. Last evaluated: 2025-10-01. Review status: criteria provided, single submitter. Criteria: Invitae Variant Classification Sherloc (09022015). Collection method: clinical testing. Allele origin: germline.

CeGaT Center for Human Genetics Tuebingen
Classification: Likely benign. Last evaluated: 2023-10-01. Review status: criteria provided, single submitter. Criteria: CeGaT Center For Human Genetics Tuebingen Variant Classification Criteria Version 2. Collection method: clinical testing. Allele origin: germline. Affected: yes. Observed: 1 variant allele.
Comment: SBF2: BP4

Ambry Genetics
Classification: Uncertain significance for Inborn genetic diseases. Last evaluated: 2020-08-20. Review status: criteria provided, single submitter. Criteria: Ambry Variant Classification Scheme 2023. Collection method: clinical testing. Allele origin: germline.
Comment: The c.3979-5C>T intronic variant results from a C to T substitution 5 nucleotides upstream from coding exon 30 in the SBF2 gene. This nucleotide position is not well conserved in available vertebrate species. In silico splice site analysis for this alteration is inconclusive. Since supporting evidence is limited at this time, the clinical significance of this alteration remains unclear.

NM_030962.4(SBF2):c.3979-5C>T

Gene: SBF2 (SET binding factor 2; minus strand). Cytogenetic location: 11p15.4.
Variant type: single nucleotide variant.
Coding change: c.3979-5C>T on transcript NM_030962.4 (MANE Select); 5 bases into the intron before coding-DNA position 3979, C replaced by T.
Molecular consequence: intron variant.
Genome position (GRCh38, 1-based): chr11:9,812,713, G>A on the plus strand (C>T on the coding strand, the complement: SBF2 is on the minus strand). VCF-style: chr11-9812713-G-A. GRCh37 (hg19) VCF-style: chr11-9834260-G-A.
Other names: c.3850-5C>T (NM_001386342.1); c.4075-5C>T (NM_001386339.1).
Identifiers: ClinVar variation 1736669 (VCV001736669.31), dbSNP rs771787085, ClinGen allele CA5881084.